The following is an entry in ClinVar:

NM_000297.4(PKD2):c.744C>A (p.Tyr248Ter)

Gene: PKD2 (polycystin 2, transient receptor potential cation channel; plus strand). Cytogenetic location: 4q22.1.
Variant type: single nucleotide variant.
Coding change: c.744C>A on transcript NM_000297.4 (MANE Select); coding-DNA position 744, C replaced by A.
Protein change: p.Tyr248Ter; replaces tyrosine 248 with a stop codon.
Molecular consequence: nonsense. On other transcripts: non-coding transcript variant (1).
Genome position (GRCh38, 1-based): chr4:88,036,254, C>A. VCF-style: chr4-88036254-C-A. GRCh37 (hg19) VCF-style: chr4-88957406-C-A.
Other names: short protein forms Y248*.
Identifiers: ClinVar variation 873389 (VCV000873389.1), dbSNP rs1727326556, ClinGen allele CA357631134.

ClinVar aggregate classification (germline): Pathogenic (1 of 4 stars; one submission).

Conditions:
Polycystic kidney disease 2 (PKD2). Also called: POLYCYSTIC KIDNEY DISEASE 2 WITH OR WITHOUT POLYCYSTIC LIVER DISEASE; Polycystic Kidney Disease 2, Autosomal Dominant; POLYCYSTIC KIDNEY DISEASE, ADULT, TYPE II. Identifiers: MedGen C2751306, MONDO:0013131, OMIM 613095.

Submission:

Cavalleri Lab, Royal College of Surgeons in Ireland
Classification: Pathogenic for Polycystic kidney disease 2. Last evaluated: 2020-02-05. Review status: criteria provided, single submitter. Criteria: ACMG Guidelines, 2015. Collection method: research. Allele origin: unknown. Inheritance: Autosomal dominant inheritance. Affected: yes.
Comment: PVS1, PM2, PP4